The following is an entry in ClinVar:

ClinVar aggregate classification (germline): Uncertain significance. Review status: criteria provided, multiple submitters, no conflicts (2 of 4 stars). 4 submissions from 4 submitters: Uncertain significance (4). Last evaluated 2023-04-11.

Conditions:
Inborn genetic diseases. Identifiers: MedGen C0950123, MeSH D030342.
Immunodeficiency, common variable, 7. Identifiers: Orphanet 1572, Orphanet 696894, MedGen C3542922, MONDO:0013862, OMIM 614699.

Allele frequency attached by ClinVar (database versions not stated): gnomAD exomes below 0.00001; TOPMed below 0.00001; gnomAD 0.00001.
gnomAD v4.1: 2 of 1,613,874 alleles (0.00012%); highest among the groups gnomAD compares: Non-Finnish European, 0.00017%; no homozygotes.

Submissions (4):

Genome-Nilou Lab
Classification: Uncertain significance for Immunodeficiency, common variable, 7. Last evaluated: 2023-04-11. Review status: criteria provided, single submitter. Criteria: ACMG Guidelines, 2015. Collection method: clinical testing. Allele origin: germline. Affected: no.

Ambry Genetics
Classification: Uncertain significance for Inborn genetic diseases. Last evaluated: 2022-11-18. Review status: criteria provided, single submitter. Criteria: Ambry Variant Classification Scheme 2023. Collection method: clinical testing. Allele origin: germline.

Blueprint Genetics
Classification: Uncertain significance. Last evaluated: 2020-02-03. Review status: criteria provided, single submitter. Criteria: ACMG Guidelines, 2015. Collection method: clinical testing. Allele origin: germline.

Labcorp Genetics (formerly Invitae), Labcorp
Classification: Uncertain significance for Immunodeficiency, common variable, 7. Last evaluated: 2019-09-08. Review status: criteria provided, single submitter. Criteria: Invitae Variant Classification Sherloc (09022015). Collection method: clinical testing. Allele origin: germline.
Comment: This variant has not been reported in the literature in individuals with CR2-related conditions. In summary, the available evidence is currently insufficient to determine the role of this variant in disease. Therefore, it has been classified as a Variant of Uncertain Significance. Algorithms developed to predict the effect of missense changes on protein structure and function are either unavailable or do not agree on the potential impact of this missense change (SIFT: "Deleterious"; PolyPhen-2: "Possibly Damaging"; Align-GVGD: "Class C15"). This variant is not present in population databases (ExAC no frequency). This sequence change replaces leucine with phenylalanine at codon 189 of the CR2 protein (p.Leu189Phe). The leucine residue is highly conserved and there is a small physicochemical difference between leucine and phenylalanine.

NM_001006658.3(CR2):c.565C>T (p.Leu189Phe)

Gene: CR2 (complement C3d receptor 2; plus strand). Cytogenetic location: 1q32.2.
Variant type: single nucleotide variant.
Coding change: c.565C>T on transcript NM_001006658.3 (MANE Select); coding-DNA position 565, C replaced by T.
Protein change: p.Leu189Phe; replaces leucine 189 with phenylalanine.
Molecular consequence: missense variant.
Genome position (GRCh38, 1-based): chr1:207,468,646, C>T. VCF-style: chr1-207468646-C-T. GRCh37 (hg19) VCF-style: chr1-207641991-C-T.
Other names: c.565C>T, p.Leu189Phe (NM_001877.5); short protein forms L189F.
Identifiers: ClinVar variation 933915 (VCV000933915.11), dbSNP rs1357178966, ClinGen allele CA344525983.